The following is an entry in ClinVar:

ClinVar aggregate classification (germline): Conflicting classifications of pathogenicity. Review status: criteria provided, conflicting classifications (1 of 4 stars). 3 submissions from 3 submitters: Likely pathogenic (1); Uncertain significance (2). Last evaluated 2024-01-23.

Allele frequency attached by ClinVar (database versions not stated): gnomAD exomes below 0.00001; TOPMed 0.00002.

Submissions (3):

Women's Health and Genetics/Laboratory Corporation of America, LabCorp
Classification: Uncertain significance. Last evaluated: 2024-01-23. Review status: criteria provided, single submitter. Criteria: LabCorp Variant Classification Summary - May 2015. Collection method: clinical testing. Allele origin: germline.
Comment: Variant summary: OBSL1 c.4535dupT (p.Ile1513HisfsX41) results in a premature termination codon, predicted to cause a truncation of the encoded protein, however significance of variants in this region is unclear. The variant was absent in 248694 control chromosomes. The available data on variant occurrences in the general population are insufficient to allow any conclusion about variant significance. To our knowledge, no occurrence of c.4535dupT in individuals affected with Three M Syndrome 2 and no experimental evidence demonstrating its impact on protein function have been reported. ClinVar contains an entry for this variant (Variation ID: 856508). Based on the evidence outlined above, the variant was classified as uncertain significance.

Labcorp Genetics (formerly Invitae), Labcorp
Classification: Uncertain significance. Last evaluated: 2022-05-12. Review status: criteria provided, single submitter. Criteria: Invitae Variant Classification Sherloc (09022015). Collection method: clinical testing. Allele origin: germline.
Comment: This sequence change creates a premature translational stop signal (p.Ile1513Hisfs*41) in the OBSL1 gene. However, it is currently unclear if variants that occur in this region of the gene cause disease. This variant is not present in population databases (gnomAD no frequency). This variant has not been reported in the literature in individuals affected with OBSL1-related conditions. ClinVar contains an entry for this variant (Variation ID: 856508). In summary, the available evidence is currently insufficient to determine the role of this variant in disease. Therefore, it has been classified as a Variant of Uncertain Significance.

AiLife Diagnostics
Classification: Likely pathogenic. Last evaluated: 2021-03-23. Review status: criteria provided, single submitter. Criteria: ACMG Guidelines, 2015. Collection method: clinical testing. Allele origin: germline. Affected: yes. Observed: 1 variant allele.

NM_015311.3(OBSL1):c.4535dup (p.Ile1513fs)

Gene: OBSL1 (obscurin like cytoskeletal adaptor 1; minus strand). Cytogenetic location: 2q35.
Variant type: Duplication.
Coding change: c.4535dup on transcript NM_015311.3 (MANE Select); coding-DNA position 4535, one base duplicated (T; older notation c.4535dupT).
Protein change: p.Ile1513fs; shifts the reading frame from isoleucine 1513.
Molecular consequence: frameshift variant.
Genome position (GRCh38, 1-based): chr2:219,556,094, A duplicated on the plus strand (T on the coding strand, the reverse complement: OBSL1 is on the minus strand). VCF-style (leftmost placement, unchanged base first): chr2-219556093-G-GA. GRCh37 (hg19) VCF-style: chr2-220420815-G-GA.
Other names: c.4535dup, p.Ile1513fs (NM_001173431.2); c.4535dupT (NM_015311.2, NM_015311.3); short protein forms I1513fs.
Identifiers: ClinVar variation 856508 (VCV000856508.9), dbSNP rs1434485676, ClinGen allele CA764986524.
Genomic context (GRCh38, chr2:219,556,093, plus strand): 5'-CCTGGCCAGGGTGCGATCGTGGTGGCTCTCGCAGCCGTAGGTGCCCTGGTCGGCCAGTAT[G>GA]ACACCATGGATGAAGAGGCGGTGGATGTGCCCATCCTGGGCCATGGACAGGCGAGAGTCG-3'